The following is an entry in ClinVar:

ClinVar aggregate classification (germline): Likely benign. Review status: criteria provided, single submitter (1 of 4 stars). 2 submissions from 2 submitters: Likely benign (1). 1 of the submissions does not count toward it. Last evaluated 2025-08-04.

Conditions:
CTDP1-related disorder. Also called: CTDP1-related condition.

Allele frequency attached by ClinVar (database versions not stated): gnomAD 0.00005; gnomAD exomes 0.00005; ExAC 0.00006; TOPMed 0.00006; ESP Exome Variant Server 0.00015.
gnomAD v4.1: 74 of 1,613,666 alleles (0.0046%); highest among the groups gnomAD compares: Admixed American, 0.0067%; no homozygotes.

Submissions (2):

Labcorp Genetics (formerly Invitae), Labcorp
Classification: Likely benign. Last evaluated: 2025-08-04. Review status: criteria provided, single submitter. Criteria: Invitae Variant Classification Sherloc (09022015). Collection method: clinical testing. Allele origin: germline.

PreventionGenetics, part of Exact Sciences
Classification: Likely benign for CTDP1-related condition. Last evaluated: 2019-03-05. Review status: no assertion criteria provided. Collection method: clinical testing. Allele origin: germline. Not counted in ClinVar's aggregate classification.
Comment: This variant is classified as likely benign based on ACMG/AMP sequence variant interpretation guidelines (Richards et al. 2015 PMID: 25741868, with internal and published modifications).

NM_004715.5(CTDP1):c.2217C>T (p.Asn739=)

Gene: CTDP1 (CTD phosphatase subunit 1; plus strand). Cytogenetic location: 18q23.
Variant type: single nucleotide variant.
Coding change: c.2217C>T on transcript NM_004715.5 (MANE Select); coding-DNA position 2217, C replaced by T.
Protein change: p.Asn739=; no amino-acid change (asparagine 739 retained).
Molecular consequence: synonymous variant.
Genome position (GRCh38, 1-based): chr18:79,717,816, C>T. VCF-style: chr18-79717816-C-T. GRCh37 (hg19) VCF-style: chr18-77477816-C-T.
Other names: c.1860C>T, p.Asn620= (NM_001202504.1); c.2217C>T, p.Asn739= (NM_001318511.2, NM_048368.4).
Identifiers: ClinVar variation 745739 (VCV000745739.8), dbSNP rs142525132, ClinGen allele CA9010520.